The following is an entry in ClinVar:

NM_007186.6(CEP250):c.1133A>C (p.Gln378Pro)

Genes: CEP250-AS1 (CEP250 antisense RNA 1; minus strand), CEP250 (centrosomal protein 250; plus strand). Cytogenetic location: 20q11.22.
Variant type: single nucleotide variant.
Coding change: c.1133A>C on transcript NM_007186.6 (MANE Select); coding-DNA position 1133, A replaced by C.
Protein change: p.Gln378Pro; replaces glutamine 378 with proline.
Molecular consequence: missense variant. On other transcripts: 5 prime UTR variant (1).
Genome position (GRCh38, 1-based): chr20:35,472,755, A>C. VCF-style: chr20-35472755-A-C. GRCh37 (hg19) VCF-style: chr20-34060580-A-C.
Other names: c.-767A>C (NM_001318219.1); short protein forms Q378P.
Identifiers: ClinVar variation 2072729 (VCV002072729.4), dbSNP rs2063056680, ClinGen allele CA408759464.

ClinVar aggregate classification (germline): Uncertain significance (1 of 4 stars; one submission).

Allele frequency attached by ClinVar (database versions not stated): gnomAD 0.00001.
gnomAD v4.1: 2 of 1,613,970 alleles (0.00012%); no homozygotes.

Submission:

Labcorp Genetics (formerly Invitae), Labcorp
Classification: Uncertain significance. Last evaluated: 2023-07-10. Review status: criteria provided, single submitter. Criteria: Invitae Variant Classification Sherloc (09022015). Collection method: clinical testing. Allele origin: germline.
Comment: In summary, the available evidence is currently insufficient to determine the role of this variant in disease. Therefore, it has been classified as a Variant of Uncertain Significance. Algorithms developed to predict the effect of sequence changes on RNA splicing suggest that this variant may create or strengthen a splice site. Algorithms developed to predict the effect of missense changes on protein structure and function output the following: SIFT: "Not Available"; PolyPhen-2: "Benign"; Align-GVGD: "Not Available". The proline amino acid residue is found in multiple mammalian species, which suggests that this missense change does not adversely affect protein function. ClinVar contains an entry for this variant (Variation ID: 2072729). This variant has not been reported in the literature in individuals affected with CEP250-related conditions. This variant is not present in population databases (gnomAD no frequency). This sequence change replaces glutamine, which is neutral and polar, with proline, which is neutral and non-polar, at codon 378 of the CEP250 protein (p.Gln378Pro).